The following is an entry in ClinVar:

ClinVar aggregate classification (germline): Benign/Likely benign. Review status: criteria provided, multiple submitters, no conflicts (2 of 4 stars). 10 submissions from 10 submitters: Benign (7); Likely benign (3). Last evaluated 2026-08-01.

Conditions:
Cardiovascular phenotype. Identifiers: MedGen CN230736.
Long QT syndrome (LQTS). Identifiers: MedGen C0023976, MeSH D008133, MONDO:0002442. Disease mechanism: loss of function. Inheritance: Various modes of inheritance.
Brugada syndrome. Also called: Sudden unexpected nocturnal death syndrome; Sudden Unexplained Death Syndrome; Sudden Unexplained Nocturnal Death Syndrome (SUNDS); Sudden unexplained nocturnal death syndrome. Identifiers: Orphanet 130, MedGen C1142166, MONDO:0015263.

Allele frequency attached by ClinVar (database versions not stated): gnomAD exomes 0.00092; ExAC 0.00117; gnomAD 0.00340 and 0.00353; ESP Exome Variant Server 0.00361; TOPMed 0.00365; 1000 Genomes Project 0.00679; 1000 Genomes Project 30x 0.00812.
gnomAD v4.1: 1,039 of 1,610,588 alleles (0.065%); highest among the groups gnomAD compares: African/African-American, 1.1%; 3 homozygotes.

Submissions (10):

CeGaT Center for Human Genetics Tuebingen
Classification: Likely benign. Last evaluated: 2026-08-01. Review status: criteria provided, single submitter. Criteria: CeGaT Center For Human Genetics Tuebingen Variant Classification Criteria Version 2. Collection method: clinical testing. Allele origin: germline. Affected: yes. Observed: 2 variant alleles.
Comment: CACNA1C: BS1

Labcorp Genetics (formerly Invitae), Labcorp
Classification: Benign for Long QT syndrome. Last evaluated: 2026-02-01. Review status: criteria provided, single submitter. Criteria: Invitae Variant Classification Sherloc (09022015). Collection method: clinical testing. Allele origin: germline.

Molecular Diagnostic Laboratory for Inherited Cardiovascular Disease, Montreal Heart Institute
Classification: Likely benign. Last evaluated: 2025-04-09. Review status: criteria provided, single submitter. Criteria: ACMG Guidelines, 2015. Collection method: clinical testing. Allele origin: germline. Affected: no.

Blueprint Genetics
Classification: Likely benign. Last evaluated: 2024-10-08. Review status: criteria provided, single submitter. Criteria: ACMG Guidelines, 2015. Collection method: clinical testing. Allele origin: germline.

Center for Advanced Laboratory Medicine, UC San Diego Health, University of California San Diego
Classification: Benign for Brugada syndrome. Last evaluated: 2018-12-24. Review status: criteria provided, single submitter. Criteria: ACMG Guidelines, 2015. Collection method: clinical testing. Allele origin: germline. Affected: yes. Observed: 1 variant allele.

Women's Health and Genetics/Laboratory Corporation of America, LabCorp
Classification: Benign. Last evaluated: 2016-09-07. Review status: criteria provided, single submitter. Criteria: LabCorp Variant Classification Summary - May 2015. Collection method: clinical testing. Allele origin: germline.
Comment: Variant summary: The CACNA1C c.5360C>T (p.Thr1787Met) variant involves the alteration of a conserved nucleotide. 3/5 in silico tools predict a benign outcome for this variant. This variant was found in 126/107256 control chromosomes (one homozygote), predominantly observed in the African subpopulation at a frequency of 0.0161245 (115/7132). This frequency is about 1612 times the estimated maximal expected allele frequency of a pathogenic CACNA1C variant (0.00001), suggesting this is likely a benign polymorphism found primarily in the populations of African origin. This variant has been reported in three patients with arrhythmia in literature (Burashnikov_2010, Steffensen_2015, Wemhoner_2015), however without evidence for pathogenicity. One of the patients also carried a truncating variant in other gene, AKAP9 p.Thr3473AsnfsX3. Multiple clinical diagnostic laboratories have classified this variant as benign. Taken together, this variant is classified as Benign.

Ambry Genetics
Classification: Benign for Cardiovascular phenotype. Last evaluated: 2016-07-11. Review status: criteria provided, single submitter. Criteria: Ambry Variant Classification Scheme 2023. Collection method: clinical testing. Allele origin: germline.

Mayo Clinic Laboratories, Mayo Clinic
Classification: Benign. Last evaluated: 2016-03-09. Review status: criteria provided, single submitter. Criteria: ACMG Guidelines, 2015. Collection method: clinical testing. Allele origin: germline. Observed: 2 variant alleles.

GeneDx
Classification: Benign. Last evaluated: 2013-10-07. Review status: criteria provided, single submitter. Criteria: GeneDx Variant Classification (06012015). Collection method: clinical testing. Allele origin: germline. Affected: yes.
Comment: This variant is considered likely benign or benign based on one or more of the following criteria: it is a conservative change, it occurs at a poorly conserved position in the protein, it is predicted to be benign by multiple in silico algorithms, and/or has population frequency not consistent with disease.

Breakthrough Genomics
Classification: Benign. Review status: criteria provided, single submitter. Criteria: ACMG Guidelines, 2015. Collection method: not provided. Allele origin: germline. Inheritance: Autosomal dominant inheritance. Affected: yes.

Literature cited by the submitters: PubMed 20817017 (cited by Women's Health and Genetics/Laboratory Corporation of America, LabCorp); PubMed 25633834 (cited by Women's Health and Genetics/Laboratory Corporation of America, LabCorp).

NM_000719.7(CACNA1C):c.5360C>T (p.Thr1787Met)

Genes: CACNA1C (calcium voltage-gated channel subunit alpha1 C; plus strand), CACNA1C-AS1 (CACNA1C antisense RNA 1; minus strand). Cytogenetic location: 12p13.33.
Variant type: single nucleotide variant.
Coding change: c.5360C>T on transcript NM_000719.7 (MANE Select); coding-DNA position 5360, C replaced by T.
Protein change: p.Thr1787Met; replaces threonine 1787 with methionine.
Molecular consequence: missense variant.
Genome position (GRCh38, 1-based): chr12:2,679,712, C>T. VCF-style: chr12-2679712-C-T. GRCh37 (hg19) VCF-style: chr12-2788878-C-T.
Other names: p.T1787M:ACG>ATG; p.Thr1787Met; c.5504C>T, p.Thr1835Met (NM_001129827.2, NM_199460.4); c.5483C>T, p.Thr1828Met (NM_001129829.2); c.5360C>T, p.Thr1787Met (NM_001129830.3, NM_001129840.2, NM_001129841.2 and 4 more transcripts); c.5444C>T, p.Thr1815Met (NM_001129831.2); c.5420C>T, p.Thr1807Met (NM_001129832.2); c.5417C>T, p.Thr1806Met (NM_001129833.2, NM_001129834.2, NM_001129835.2); and 6 more; short protein forms T1787M, T1835M, T1795M, T1807M, T1815M, T1793M, T1828M, T1776M.
Identifiers: ClinVar variation 136635 (VCV000136635.28), dbSNP rs192749597, ClinGen allele CA289894.
Genomic context (GRCh38, chr12:2,679,712, plus strand): 5'-TCAACAACGCCAACAACACCGCCCTGGGTCGCCTCCCTCGCCCCGCCGGCTACCCCAGCA[C>T]GGTCAGCACTGTGGAGGGCCACGGGCCCCCCTTGTCCCCTGCCATCCGGGTGCAGGAGGT-3'
Protein context (NP_000710.5, residues 1777-1797): RLPRPAGYPS[Thr1787Met]VSTVEGHGPP